The following is an entry in ClinVar:

ClinVar aggregate classification (germline): Pathogenic. Review status: criteria provided, multiple submitters, no conflicts (2 of 4 stars). 2 submissions from 2 submitters: Pathogenic (2). Last evaluated 2022-11-08.

Conditions:
PCARE-related disorder. Also called: PCARE-related condition.

Submissions (2):

Labcorp Genetics (formerly Invitae), Labcorp
Classification: Pathogenic. Last evaluated: 2022-11-08. Review status: criteria provided, single submitter. Criteria: Invitae Variant Classification Sherloc (09022015). Collection method: clinical testing. Allele origin: germline.
Comment: For these reasons, this variant has been classified as Pathogenic. This variant has not been reported in the literature in individuals affected with PCARE-related conditions. This variant is not present in population databases (gnomAD no frequency). This sequence change creates a premature translational stop signal (p.Leu1130Valfs*2) in the PCARE gene. It is expected to result in an absent or disrupted protein product. Loss-of-function variants in PCARE are known to be pathogenic (PMID: 20398886, 24339724, 26496393).

Blueprint Genetics
Classification: Pathogenic for PCARE-related disorders. Last evaluated: 2021-09-26. Review status: criteria provided, single submitter. Criteria: ACMG Guidelines, 2015. Collection method: clinical testing. Allele origin: germline. Affected: yes. Observed: 2 variant alleles.

Literature cited by the submitters: PubMed 20398886 (cited by Labcorp Genetics (formerly Invitae), Labcorp); PubMed 24339724 (cited by Labcorp Genetics (formerly Invitae), Labcorp); PubMed 26496393 (cited by Labcorp Genetics (formerly Invitae), Labcorp).

NM_001029883.3(PCARE):c.3388_3389del (p.Leu1130fs)

Gene: PCARE (photoreceptor cilium actin regulator; minus strand). Cytogenetic location: 2p23.2.
Variant type: Microsatellite.
Coding change: c.3388_3389del on transcript NM_001029883.3 (MANE Select); coding-DNA positions 3388 to 3389, 2 bases deleted (CT; older notation c.3388_3389delCT).
Protein change: p.Leu1130fs; shifts the reading frame from leucine 1130.
Molecular consequence: frameshift variant.
Genome position (GRCh38, 1-based): chr2:29,070,873-29,070,874, AG deleted on the plus strand (CT on the coding strand, the reverse complement: PCARE is on the minus strand); deleting any 2 consecutive bases within chr2:29,070,873-29,070,878 gives the same sequence; the c. name uses the placement nearest the transcript's 3' end. VCF-style (leftmost placement, unchanged base first): chr2-29070872-CAG-C. GRCh37 (hg19) VCF-style: chr2-29293738-CAG-C.
Other names: short protein forms L1130fs.
Identifiers: ClinVar variation 1070134 (VCV001070134.8), dbSNP rs1207964757, ClinGen allele CA767528309.